The following is an entry in ClinVar:

NM_001352027.3(PHF21A):c.1095+3A>G

Gene: PHF21A (PHD finger protein 21A; minus strand). Cytogenetic location: 11p11.2.
Variant type: single nucleotide variant.
Coding change: c.1095+3A>G on transcript NM_001352027.3 (MANE Select); 3 bases into the intron after coding-DNA position 1095, A replaced by G.
Molecular consequence: intron variant.
Genome position (GRCh38, 1-based): chr11:45,953,524, T>C on the plus strand (A>G on the coding strand, the complement: PHF21A is on the minus strand). VCF-style: chr11-45953524-T-C. GRCh37 (hg19) VCF-style: chr11-45975075-T-C.
Other names: c.1092+3A>G (NM_001352030.3, NM_001101802.3, NM_001352031.3 and 1 more transcripts); c.1095+3A>G (NM_001352026.3, NM_016621.5, NM_001352025.3 and 2 more transcripts).
Identifiers: ClinVar variation 3252079 (VCV003252079.2), dbSNP rs2496929336.

ClinVar aggregate classification (germline): Uncertain significance (1 of 4 stars; one submission).

Conditions:
Intellectual developmental disorder with behavioral abnormalities and craniofacial dysmorphism with or without seizures. Identifiers: MedGen C5231476, MONDO:0032883, OMIM 618725.

Submission:

Institute of Human Genetics, University of Goettingen
Classification: Uncertain significance for Intellectual developmental disorder with behavioral abnormalities and craniofacial dysmorphism with or without seizures. Last evaluated: 2024-06-28. Review status: criteria provided, single submitter. Criteria: ACMG Guidelines, 2015. Collection method: clinical testing. Allele origin: germline. Inheritance: Autosomal dominant inheritance. Affected: yes. Observed: 1 heterozygote.
Comment: PM2_sup, PP3